The following is an entry in ClinVar:

NM_005045.4(RELN):c.4943C>T (p.Pro1648Leu)

Gene: RELN (reelin; minus strand). Cytogenetic location: 7q22.1.
Variant type: single nucleotide variant.
Coding change: c.4943C>T on transcript NM_005045.4 (MANE Select); coding-DNA position 4943, C replaced by T.
Protein change: p.Pro1648Leu; replaces proline 1648 with leucine.
Molecular consequence: missense variant.
Genome position (GRCh38, 1-based): chr7:103,565,545, G>A on the plus strand (C>T on the coding strand, the complement: RELN is on the minus strand). VCF-style: chr7-103565545-G-A. GRCh37 (hg19) VCF-style: chr7-103205992-G-A.
Other names: c.4943C>T, p.Pro1648Leu (NM_173054.3); short protein forms P1648L.
Identifiers: ClinVar variation 569826 (VCV000569826.8), dbSNP rs749050390, ClinGen allele CA368746866.

ClinVar aggregate classification (germline): Uncertain significance (1 of 4 stars; one submission).

Conditions:
Norman-Roberts syndrome (LIS2). Also called: Lissencephaly 2 (Norman-Roberts type). Identifiers: Orphanet 89844, MedGen C0796089, MONDO:0009760, OMIM 257320.
Familial temporal lobe epilepsy 7. Identifiers: Orphanet 101046, MedGen C4225327, MONDO:0014639, OMIM 616436.

gnomAD v4.1: 1 of 1,602,112 alleles (0.000062%); highest among the groups gnomAD compares: Non-Finnish European, 0.000085%; no homozygotes.

Submission:

Labcorp Genetics (formerly Invitae), Labcorp
Classification: Uncertain significance for Familial temporal lobe epilepsy 7; Norman-Roberts syndrome. Last evaluated: 2018-02-15. Review status: criteria provided, single submitter. Criteria: Invitae Variant Classification Sherloc (09022015). Collection method: clinical testing. Allele origin: germline.
Comment: In summary, the available evidence is currently insufficient to determine the role of this variant in disease. Therefore, it has been classified as a Variant of Uncertain Significance. Algorithms developed to predict the effect of missense changes on protein structure and function do not agree on the potential impact of this missense change (SIFT: "Deleterious"; PolyPhen-2: "Probably Damaging"; Align-GVGD: "Class C0"). This variant has not been reported in the literature in individuals with RELN-related disease. This variant is not present in population databases (ExAC no frequency). This sequence change replaces proline with leucine at codon 1648 of the RELN protein (p.Pro1648Leu). The proline residue is highly conserved and there is a moderate physicochemical difference between proline and leucine.